The following is an entry in ClinVar:

ClinVar aggregate classification (germline): Conflicting classifications of pathogenicity. Review status: criteria provided, conflicting classifications (1 of 4 stars). 4 submissions from 4 submitters: Likely pathogenic (3); Uncertain significance (1). Last evaluated 2025-03-31.

Conditions:
Neutral 1 amino acid transport defect (HND). Also called: HARTNUP DISORDER; Hartnup disease. Identifiers: Orphanet 2116, MedGen C0018609, MONDO:0009324, OMIM 234500.

Allele frequency attached by ClinVar (database versions not stated): gnomAD 0.00002; TOPMed 0.00002.
gnomAD v4.1: 62 of 1,612,076 alleles (0.0038%); highest among the groups gnomAD compares: East Asian, 0.031%; no homozygotes.

Submissions (4):

GeneDx
Classification: Likely pathogenic. Last evaluated: 2025-03-31. Review status: criteria provided, single submitter. Criteria: GeneDx Variant Classification Process June 2021. Collection method: clinical testing. Allele origin: germline. Affected: yes.
Comment: Published functional studies demonstrate abolished transport of neutral amino acids (PMID: 15286787); In silico analysis supports that this missense variant has a deleterious effect on protein structure/function; This variant is associated with the following publications: (PMID: 19185582, 11394870, 15286787)

Labcorp Genetics (formerly Invitae), Labcorp
Classification: Uncertain significance. Last evaluated: 2024-01-12. Review status: criteria provided, single submitter. Criteria: Invitae Variant Classification Sherloc (09022015). Collection method: clinical testing. Allele origin: germline.
Comment: This sequence change replaces arginine, which is basic and polar, with cysteine, which is neutral and slightly polar, at codon 57 of the SLC6A19 protein (p.Arg57Cys). This variant is present in population databases (rs762989809, gnomAD 0.02%). This missense change has been observed in individual(s) with Hartnup disorder (PMID: 15286787). ClinVar contains an entry for this variant (Variation ID: 2503943). Advanced modeling of protein sequence and biophysical properties (such as structural, functional, and spatial information, amino acid conservation, physicochemical variation, residue mobility, and thermodynamic stability) performed at Invitae indicates that this missense variant is expected to disrupt SLC6A19 protein function with a positive predictive value of 80%. Experimental studies have shown that this missense change affects SLC6A19 function (PMID: 15286787, 19185582). In summary, the available evidence is currently insufficient to determine the role of this variant in disease. Therefore, it has been classified as a Variant of Uncertain Significance.

Women's Health and Genetics/Laboratory Corporation of America, LabCorp
Classification: Likely pathogenic for Neutral 1 amino acid transport defect. Last evaluated: 2023-04-15. Review status: criteria provided, single submitter. Criteria: LabCorp Variant Classification Summary - May 2015. Collection method: clinical testing. Allele origin: germline.
Comment: Variant summary: SLC6A19 c.169C>T (p.Arg57Cys) results in a non-conservative amino acid change in the encoded protein sequence. Five of five in-silico tools predict a damaging effect of the variant on protein function. The variant allele was found at a frequency of 2.8e-05 in 248818 control chromosomes (gnomAD). c.169C>T has been reported in the literature in at least one homozygous individual affected with Hartnup Disease (Kleta_2004). These data indicate that the variant may be associated with disease. Experimental evidence assaying Leucine uptake in transfected Xenopus oocytes found the variant protein had no transport activity when compared to wild-type, indicating loss of function (Kleta_2004, Camargo_2009). No clinical diagnostic laboratories have submitted clinical-significance assessments for this variant to ClinVar after 2014. Based on the evidence outlined above, the variant was classified as likely pathogenic.

Juno Genomics, Hangzhou Juno Genomics, Inc
Classification: Likely pathogenic for Neutral 1 amino acid transport defect. Review status: criteria provided, single submitter. Criteria: ACMG Guidelines, 2015. Collection method: clinical testing. Allele origin: germline.
Comment: Absent from controls (or at extremely low frequency if recessive) in Genome Aggregation Database.;For recessive disorders, detected in trans with a pathogenic variant.;Patient's phenotype or family history is highly specific for a disease with a single genetic etiology.;Well-established in vitro or in vivo functional studies supportive of a damaging effect on the gene or gene product.

Literature cited by the submitters: PubMed 15286787 (cited by Labcorp Genetics (formerly Invitae), Labcorp and Women's Health and Genetics/Laboratory Corporation of America, LabCorp); PubMed 19185582 (cited by Labcorp Genetics (formerly Invitae), Labcorp and Women's Health and Genetics/Laboratory Corporation of America, LabCorp).

NM_001003841.3(SLC6A19):c.169C>T (p.Arg57Cys)

Gene: SLC6A19 (solute carrier family 6 member 19; plus strand). Cytogenetic location: 5p15.33.
Variant type: single nucleotide variant.
Coding change: c.169C>T on transcript NM_001003841.3 (MANE Select); coding-DNA position 169, C replaced by T.
Protein change: p.Arg57Cys; replaces arginine 57 with cysteine.
Molecular consequence: missense variant.
Genome position (GRCh38, 1-based): chr5:1,201,819, C>T. VCF-style: chr5-1201819-C-T. GRCh37 (hg19) VCF-style: chr5-1201934-C-T.
Other names: c.169C>T (NM_001003841.2); short protein forms R57C.
Identifiers: ClinVar variation 2503943 (VCV002503943.5), dbSNP rs762989809, ClinGen allele CA3182581.